The following is an entry in ClinVar:

ClinVar aggregate classification (germline): Likely benign. Review status: criteria provided, multiple submitters, no conflicts (2 of 4 stars). 3 submissions from 3 submitters: Likely benign (2). 1 of the submissions does not count toward it. Last evaluated 2025-09-16.

Conditions:
COL9A1-related disorder. Also called: COL9A1-related condition; COL9A1-related disorders.

Allele frequency attached by ClinVar (database versions not stated): gnomAD exomes below 0.00001; gnomAD 0.00001.
gnomAD v4.1: 10 of 1,612,562 alleles (0.00062%); highest among the groups gnomAD compares: East Asian, 0.0022%; no homozygotes.

Submissions (3):

Labcorp Genetics (formerly Invitae), Labcorp
Classification: Likely benign. Last evaluated: 2025-09-16. Review status: criteria provided, single submitter. Criteria: Invitae Variant Classification Sherloc (09022015). Collection method: clinical testing. Allele origin: germline.

Blueprint Genetics
Classification: Likely benign. Last evaluated: 2023-11-29. Review status: criteria provided, single submitter. Criteria: ACMG Guidelines, 2015. Collection method: clinical testing. Allele origin: germline.

PreventionGenetics, part of Exact Sciences
Classification: Likely benign for COL9A1-related condition. Last evaluated: 2019-07-10. Review status: no assertion criteria provided. Collection method: clinical testing. Allele origin: germline. Not counted in ClinVar's aggregate classification.
Comment: This variant is classified as likely benign based on ACMG/AMP sequence variant interpretation guidelines (Richards et al. 2015 PMID: 25741868, with internal and published modifications).

NM_001851.6(COL9A1):c.999C>T (p.Ser333=)

Gene: COL9A1 (collagen type IX alpha 1 chain; minus strand). Cytogenetic location: 6q13.
Variant type: single nucleotide variant.
Coding change: c.999C>T on transcript NM_001851.6 (MANE Select); coding-DNA position 999, C replaced by T.
Protein change: p.Ser333=; no amino-acid change (serine 333 retained).
Molecular consequence: synonymous variant. On other transcripts: non-coding transcript variant (1).
Genome position (GRCh38, 1-based): chr6:70,274,749, G>A on the plus strand (C>T on the coding strand, the complement: COL9A1 is on the minus strand). VCF-style: chr6-70274749-G-A. GRCh37 (hg19) VCF-style: chr6-70984452-G-A.
Other names: c.270C>T, p.Ser90= (NM_001377289.1, NM_001377290.1, NM_078485.4); c.999C>T (NM_001851.4).
Identifiers: ClinVar variation 1085901 (VCV001085901.12), dbSNP rs1034787678, ClinGen allele CA140818218.